The following is an entry in ClinVar:

ClinVar aggregate classification (germline): Pathogenic (1 of 4 stars; one submission).

Conditions:
Fanconi anemia (FA). Also called: Fanconi's anemia. Identifiers: Orphanet 84, MedGen C0015625, MeSH D005199, MONDO:0019391.

Submission:

Labcorp Genetics (formerly Invitae), Labcorp
Classification: Pathogenic for Fanconi anemia. Last evaluated: 2023-06-25. Review status: criteria provided, single submitter. Criteria: Invitae Variant Classification Sherloc (09022015). Collection method: clinical testing. Allele origin: germline.
Comment: For these reasons, this variant has been classified as Pathogenic. This variant has not been reported in the literature in individuals affected with FANCI-related conditions. This variant is not present in population databases (gnomAD no frequency). This sequence change creates a premature translational stop signal (p.Leu660Thrfs*19) in the FANCI gene. It is expected to result in an absent or disrupted protein product. Loss-of-function variants in FANCI are known to be pathogenic (PMID: 17452773, 17460694).

Literature cited by the submitters: PubMed 17452773; PubMed 17460694.

NM_001113378.2(FANCI):c.1978_1979del (p.Leu660fs)

Gene: FANCI (FA complementation group I; plus strand). Cytogenetic location: 15q26.1.
Variant type: Microsatellite.
Coding change: c.1978_1979del on transcript NM_001113378.2 (MANE Select); coding-DNA positions 1978 to 1979, 2 bases deleted (CT; older notation c.1978_1979delCT).
Protein change: p.Leu660fs; shifts the reading frame from leucine 660.
Molecular consequence: frameshift variant.
Genome position (GRCh38, 1-based): chr15:89,291,700-89,291,701, CT deleted; deleting any 2 consecutive bases within chr15:89,291,695-89,291,701 gives the same sequence; the c. name uses the placement nearest the transcript's 3' end. VCF-style (leftmost placement, unchanged base first): chr15-89291694-ATC-A. GRCh37 (hg19) VCF-style: chr15-89834925-ATC-A.
Other names: c.1699_1700del, p.Leu567fs (NM_001376910.1); c.1978_1979del, p.Leu660fs (NM_001376911.1, NM_018193.3); short protein forms L567fs, L660fs.
Identifiers: ClinVar variation 2895608 (VCV002895608.3), dbSNP rs2507357217, ClinGen allele CA2739269652.